The following is an entry in ClinVar:

ClinVar aggregate classification (germline): Uncertain significance (1 of 4 stars; one submission).

Submission:

Ambry Genetics
Classification: Uncertain significance. Last evaluated: 2026-06-11. Review status: criteria provided, single submitter. Criteria: Ambry Variant Classification Scheme 2023. Collection method: clinical testing. Allele origin: germline.
Comment: The c.4234delG variant, located in coding exon 11 of the MLH3 gene, results from a deletion of one nucleotide at nucleotide position 4234, causing a translational frameshift with a predicted alternate stop codon (p.E1412Kfs*81). This variant occurs at the 3' terminus of the gene, is not expected to trigger nonsense-mediated mRNAdecay and results in the elongation of the protein by 39 amino acids. This frameshift impacts the last 42amino acids of the native protein. The exact functional effect of the altered amino acids is unknown. Based on the available evidence, the clinical significance of this variant remains unclear.

NM_001040108.2(MLH3):c.4234del (p.Glu1412fs)

Gene: MLH3 (mutL homolog 3; minus strand). Cytogenetic location: 14q24.3.
Variant type: Deletion.
Coding change: c.4234del on transcript NM_001040108.2 (MANE Select); coding-DNA position 4234, one base deleted (G; older notation c.4234delG).
Protein change: p.Glu1412fs; shifts the reading frame from glutamic acid 1412.
Molecular consequence: frameshift variant.
Genome position (GRCh38, 1-based): chr14:75,018,837, C deleted on the plus strand (G on the coding strand, the reverse complement: MLH3 is on the minus strand); the first of 2 consecutive C bases (chr14:75,018,837-75,018,838); deleting either gives the same sequence. VCF-style (leftmost placement, unchanged base first): chr14-75018836-TC-T. GRCh37 (hg19) VCF-style: chr14-75485539-TC-T.
Other names: c.4162del, p.Glu1388fs (NM_014381.3); c.4234delG (NM_001040108.1); short protein forms E1412fs, E1388fs.
Identifiers: ClinVar variation 4108595 (VCV004108595.2).